The following is an entry in ClinVar:

NM_000138.5(FBN1):c.6083C>T (p.Thr2028Ile)

Gene: FBN1 (fibrillin 1; minus strand). Cytogenetic location: 15q21.1.
Variant type: single nucleotide variant.
Coding change: c.6083C>T on transcript NM_000138.5 (MANE Select); coding-DNA position 6083, C replaced by T.
Protein change: p.Thr2028Ile; replaces threonine 2028 with isoleucine.
Molecular consequence: missense variant.
Genome position (GRCh38, 1-based): chr15:48,441,801, G>A on the plus strand (C>T on the coding strand, the complement: FBN1 is on the minus strand). VCF-style: chr15-48441801-G-A. GRCh37 (hg19) VCF-style: chr15-48733998-G-A.
Other names: c.6083C>T, p.Thr2028Ile (NM_001406716.1); short protein forms T2028I.
Identifiers: ClinVar variation 3754058 (VCV003754058.2).

ClinVar aggregate classification (germline): Uncertain significance (1 of 4 stars; one submission).

Conditions:
Marfan syndrome (MFS). Also called: MARFAN SYNDROME, TYPE I; Marfan syndrome type 1; Marfan's syndrome; Marfan syndrome, classic; FBN1-Related Marfan Syndrome. Identifiers: Orphanet 284963, Orphanet 558, MedGen C0024796, MONDO:0007947, OMIM 154700.
Familial thoracic aortic aneurysm and aortic dissection (TAAD). Also called: Thoracic aortic aneurysms and dissections. Identifiers: Orphanet 91387, MedGen C4707243, MONDO:0019625.

Submission:

Labcorp Genetics (formerly Invitae), Labcorp
Classification: Uncertain significance for Marfan syndrome; Familial thoracic aortic aneurysm and aortic dissection. Last evaluated: 2024-02-25. Review status: criteria provided, single submitter. Criteria: Invitae Variant Classification Sherloc (09022015). Collection method: clinical testing. Allele origin: germline.
Comment: This sequence change replaces threonine, which is neutral and polar, with isoleucine, which is neutral and non-polar, at codon 2028 of the FBN1 protein (p.Thr2028Ile). This variant is not present in population databases (gnomAD no frequency). This variant has not been reported in the literature in individuals affected with FBN1-related conditions. Advanced modeling of protein sequence and biophysical properties (such as structural, functional, and spatial information, amino acid conservation, physicochemical variation, residue mobility, and thermodynamic stability) has been performed at Invitae for this missense variant, however the output from this modeling did not meet the statistical confidence thresholds required to predict the impact of this variant on FBN1 protein function. In summary, the available evidence is currently insufficient to determine the role of this variant in disease. Therefore, it has been classified as a Variant of Uncertain Significance.